The following is an entry in ClinVar:

NM_024577.4(SH3TC2):c.3793C>T (p.Leu1265=)

Gene: SH3TC2 (SH3 domain and tetratricopeptide repeats 2; minus strand). Cytogenetic location: 5q32.
Variant type: single nucleotide variant.
Coding change: c.3793C>T on transcript NM_024577.4 (MANE Select); coding-DNA position 3793, C replaced by T.
Protein change: p.Leu1265=; no amino-acid change (leucine 1265 retained).
Molecular consequence: synonymous variant.
Genome position (GRCh38, 1-based): chr5:149,004,785, G>A on the plus strand (C>T on the coding strand, the complement: SH3TC2 is on the minus strand). VCF-style: chr5-149004785-G-A. GRCh37 (hg19) VCF-style: chr5-148384348-G-A.
Identifiers: ClinVar variation 2655894 (VCV002655894.24), dbSNP rs768737678, ClinGen allele CA3498628.

ClinVar aggregate classification (germline): Likely benign (1 of 4 stars; one submission).

Allele frequency attached by ClinVar (database versions not stated): gnomAD exomes below 0.00001; TOPMed below 0.00001; ExAC 0.00002.
gnomAD v4.1: 5 of 1,614,074 alleles (0.00031%); highest among the groups gnomAD compares: South Asian, 0.0055%; no homozygotes.

Submission:

CeGaT Center for Human Genetics Tuebingen
Classification: Likely benign. Last evaluated: 2022-10-01. Review status: criteria provided, single submitter. Criteria: CeGaT Center For Human Genetics Tuebingen Variant Classification Criteria Version 2. Collection method: clinical testing. Allele origin: germline. Affected: yes. Observed: 1 variant allele.
Comment: SH3TC2: BP4, BP7